The following is an entry in ClinVar:

NM_001042413.2(GLIS3):c.*2890C>G

Gene: GLIS3 (GLIS family zinc finger 3; minus strand). Cytogenetic location: 9p24.2.
Variant type: single nucleotide variant.
Coding change: c.*2890C>G on transcript NM_001042413.2 (MANE Select); 2890 bases downstream of the stop codon, C replaced by G.
Molecular consequence: 3 prime UTR variant.
Genome position (GRCh38, 1-based): chr9:3,825,382, G>C on the plus strand (C>G on the coding strand, the complement: GLIS3 is on the minus strand). VCF-style: chr9-3825382-G-C. GRCh37 (hg19) VCF-style: chr9-3825382-G-C.
Other names: c.*2890C>G (NM_152629.4).
Identifiers: ClinVar variation 366905 (VCV000366905.5), dbSNP rs192113877, ClinGen allele CA10627344.

ClinVar aggregate classification (germline): Likely benign (1 of 4 stars; one submission).

Conditions:
Neonatal diabetes mellitus with congenital hypothyroidism. Also called: NDH SYNDROME. Identifiers: Orphanet 79118, MedGen C1857775, MONDO:0012436, OMIM 610199.

Allele frequency attached by ClinVar (database versions not stated): 1000 Genomes Project 30x 0.00031; 1000 Genomes Project 0.00040; TOPMed 0.00041.

Submission:

Illumina Laboratory Services, Illumina
Classification: Likely benign for Neonatal diabetes mellitus with congenital hypothyroidism. Last evaluated: 2018-01-13. Review status: criteria provided, single submitter. Criteria: ICSL Variant Classification Criteria 13 December 2019. Collection method: clinical testing. Allele origin: germline.
Comment: This variant was observed in the ICSL laboratory as part of a predisposition screen in an ostensibly healthy population. It had not been previously curated by ICSL or reported in the Human Gene Mutation Database (HGMD: prior to June 1st, 2018), and was therefore a candidate for classification through an automated scoring system. Utilizing variant allele frequency, disease prevalence and penetrance estimates, and inheritance mode, an automated score was calculated to assess if this variant is too frequent to cause the disease. Based on the score and internal cut-off values, a variant classified as likely benign is not then subjected to further curation. The score for this variant resulted in a classification of likely benign for this disease.